The following is an entry in ClinVar:

ClinVar aggregate classification (germline): Benign/Likely benign. Review status: criteria provided, multiple submitters, no conflicts (2 of 4 stars). 5 submissions from 5 submitters: Benign (3); Likely benign (1). 1 of the submissions does not count toward it. Last evaluated 2025-06-11.

Conditions:
MCM2-related disorder. Also called: MCM2-related condition.

Allele frequency attached by ClinVar (database versions not stated): gnomAD exomes 0.00013 and 0.00038; ExAC 0.00050; 1000 Genomes Project 30x 0.00078; 1000 Genomes Project 0.00100; gnomAD 0.00177 and 0.00195; TOPMed 0.00187; ESP Exome Variant Server 0.00223.
gnomAD v4.1: 459 of 1,614,224 alleles (0.028%); highest among the groups gnomAD compares: African/African-American, 0.56%; 1 homozygote.

Submissions (5):

Labcorp Genetics (formerly Invitae), Labcorp
Classification: Benign. Last evaluated: 2025-06-11. Review status: criteria provided, single submitter. Criteria: Invitae Variant Classification Sherloc (09022015). Collection method: clinical testing. Allele origin: germline.

Blueprint Genetics
Classification: Likely benign. Last evaluated: 2024-03-11. Review status: criteria provided, single submitter. Criteria: ACMG Guidelines, 2015. Collection method: clinical testing. Allele origin: germline.

GeneDx
Classification: Benign. Last evaluated: 2019-09-04. Review status: criteria provided, single submitter. Criteria: GeneDx Variant Classification Process June 2021. Collection method: clinical testing. Allele origin: germline. Affected: yes.

Breakthrough Genomics
Classification: Benign. Review status: criteria provided, single submitter. Criteria: ACMG Guidelines, 2015. Collection method: not provided. Allele origin: germline. Inheritance: Autosomal dominant inheritance. Affected: yes.

PreventionGenetics, part of Exact Sciences
Classification: Benign for MCM2-related condition. Last evaluated: 2021-05-03. Review status: no assertion criteria provided. Collection method: clinical testing. Allele origin: germline. Not counted in ClinVar's aggregate classification.
Comment: This variant is classified as benign based on ACMG/AMP sequence variant interpretation guidelines (Richards et al. 2015 PMID: 25741868, with internal and published modifications).

NM_004526.4(MCM2):c.822C>T (p.Tyr274=)

Gene: MCM2 (minichromosome maintenance complex component 2; plus strand). Cytogenetic location: 3q21.3.
Variant type: single nucleotide variant.
Coding change: c.822C>T on transcript NM_004526.4 (MANE Select); coding-DNA position 822, C replaced by T.
Protein change: p.Tyr274=; no amino-acid change (tyrosine 274 retained).
Molecular consequence: synonymous variant. On other transcripts: non-coding transcript variant (1).
Genome position (GRCh38, 1-based): chr3:127,606,266, C>T. VCF-style: chr3-127606266-C-T. GRCh37 (hg19) VCF-style: chr3-127325109-C-T.
Identifiers: ClinVar variation 1175519 (VCV001175519.14), dbSNP rs142980535, ClinGen allele CA2595719.